The following is an entry in ClinVar:

ClinVar aggregate classification (germline): Pathogenic. Review status: criteria provided, single submitter (1 of 4 stars). 2 submissions from 2 submitters: Pathogenic (1). 1 of the submissions does not count toward it. Last evaluated 2020-08-01.

Conditions:
Nonsyndromic genetic hearing loss. Also called: Nonsyndromic genetic deafness; Non-syndromic genetic deafness; Nonsyndromic hearing loss and deafness. Identifiers: Orphanet 87884, MedGen C5680182, MONDO:0019497.
Usher syndrome type 2A. Also called: RETINAL DISEASE IN USHER SYNDROME TYPE IIA, MODIFIER OF; USHER SYNDROME, TYPE IIA. Identifiers: Orphanet 231178, Orphanet 886, MedGen C1848634, MONDO:0010169, OMIM 276901.

Submissions (2):

King Laboratory, University of Washington
Classification: Pathogenic for Usher syndrome type 2A. Last evaluated: 2020-08-01. Review status: criteria provided, single submitter. Criteria: Abu Rayyan A et al. (Proc Natl Acad Sci U S A 2020). Collection method: research. Allele origin: germline. Affected: yes.
Comment: USH2A c.9865delG leads to a premature stop at codon 3301. The variant is homozygous in 4 children from 3 Palestinian families with moderate hearing loss and no signs of vision loss at time of exam (Abu Rayyan 2020). It is absent from 1300 Palestinian controls and from public databases.

Laboratory of Prof. Karen Avraham, Tel Aviv University
Classification: Pathogenic for Nonsyndromic genetic hearing loss. Last evaluated: 2016-02-16. Review status: no assertion criteria provided. Collection method: research. Allele origin: germline. Affected: yes. Not counted in ClinVar's aggregate classification.
Comment: Congenital, high-tone HL

This is a novel recessive condition of NSHL, DFNB, caused by variants in USH2A, known previously to be involved in Usher syndrome type 2A.

NM_206933.4(USH2A):c.9685del (p.Glu3229fs)

Gene: USH2A (usherin; minus strand). Cytogenetic location: 1q41.
Variant type: Deletion.
Coding change: c.9685del on transcript NM_206933.4 (MANE Select); coding-DNA position 9685, one base deleted (G; older notation c.9685delG).
Protein change: p.Glu3229fs; shifts the reading frame from glutamic acid 3229.
Molecular consequence: frameshift variant.
Genome position (GRCh38, 1-based): chr1:215,813,790, C deleted on the plus strand (G on the coding strand, the reverse complement: USH2A is on the minus strand); the first of 2 consecutive C bases (chr1:215,813,790-215,813,791); deleting either gives the same sequence. VCF-style (leftmost placement, unchanged base first): chr1-215813789-TC-T. GRCh37 (hg19) VCF-style: chr1-215987131-TC-T.
Other names: NM_206933.2:c.9685delG, p.(Glu3229Argfs*72); short protein forms E3229fs.
Identifiers: ClinVar variation 236049 (VCV000236049.3), dbSNP rs878853233, ClinGen allele CA10581501.